The following is an entry in ClinVar:

NM_001292063.2(OTOG):c.7693+14A>T

Gene: OTOG (otogelin; plus strand). Cytogenetic location: 11p15.1.
Variant type: single nucleotide variant.
Coding change: c.7693+14A>T on transcript NM_001292063.2 (MANE Select); 14 bases into the intron after coding-DNA position 7693, A replaced by T.
Molecular consequence: intron variant.
Genome position (GRCh38, 1-based): chr11:17,635,201, A>T. VCF-style: chr11-17635201-A-T. GRCh37 (hg19) VCF-style: chr11-17656748-A-T.
Other names: c.7729+14A>T (NM_001277269.2).
Identifiers: ClinVar variation 227798 (VCV000227798.15), dbSNP rs545542156, ClinGen allele CA5906164.
Genomic context (GRCh38, chr11:17,635,201, plus strand): 5'-GATCACGGGCCGCCTGGGGGACTCCTGCTGCACCTCCTACTTCTGCGGTGGGTCGCCGCC[A>T]CCAGACGCCAGCGCACACAGCCTGATCACAGTCCGCCGGCCTCACCCCTGTGTCCTTGGG-3'

ClinVar aggregate classification (germline): Benign/Likely benign. Review status: criteria provided, multiple submitters, no conflicts (2 of 4 stars). 4 submissions from 4 submitters: Benign (1); Likely benign (3). Last evaluated 2026-01-18.

Allele frequency attached by ClinVar (database versions not stated): 1000 Genomes Project 0.00020; ExAC 0.00052; 1000 Genomes Project 30x 0.00062; gnomAD exomes 0.00166 and 0.00274; TOPMed 0.00180; gnomAD 0.00199 and 0.00210.
gnomAD v4.1: 3,997 of 1,528,748 alleles (0.26%); highest among the groups gnomAD compares: Non-Finnish European, 0.31%; 10 homozygotes.

Submissions (4):

Labcorp Genetics (formerly Invitae), Labcorp
Classification: Benign. Last evaluated: 2026-01-18. Review status: criteria provided, single submitter. Criteria: Invitae Variant Classification Sherloc (09022015). Collection method: clinical testing. Allele origin: germline.

Blueprint Genetics
Classification: Likely benign. Last evaluated: 2024-10-25. Review status: criteria provided, single submitter. Criteria: ACMG Guidelines, 2015. Collection method: clinical testing. Allele origin: germline.

Laboratory for Molecular Medicine, Mass General Brigham Personalized Medicine
Classification: Likely benign. Last evaluated: 2015-08-21. Review status: criteria provided, single submitter. Criteria: LMM Criteria. Collection method: clinical testing. Allele origin: germline. Observed: 1 variant allele.
Comment: c.7729+14A>T in intron 45 of OTOG: This variant is not expected to have clinical significance because it is not located within the splice consensus sequence. It has been identified in 0.4% (3/686) of Finnish chromosomes and in 0.1% (3/3450) of European (non-Finnish) chromosomes by the Exome Aggregation Consortium (ExAC; dbSNP rs545542156).

Breakthrough Genomics
Classification: Likely benign. Review status: criteria provided, single submitter. Criteria: ACMG Guidelines, 2015. Collection method: not provided. Allele origin: germline. Inheritance: Autosomal recessive inheritance. Affected: yes.